The following is an entry in ClinVar:

NM_181486.4(TBX5):c.383_386dup (p.Met131fs)

Gene: TBX5 (T-box transcription factor 5; minus strand). Cytogenetic location: 12q24.21.
Variant type: Duplication.
Coding change: c.383_386dup on transcript NM_181486.4 (MANE Select); coding-DNA positions 383 to 386, 4 bases duplicated (AGCC; older notation c.383_386dupAGCC).
Protein change: p.Met131fs; shifts the reading frame from methionine 131.
Molecular consequence: frameshift variant.
Genome position (GRCh38, 1-based): chr12:114,398,697-114,398,700, GGCT duplicated on the plus strand (AGCC on the coding strand, the reverse complement: TBX5 is on the minus strand). VCF-style (leftmost placement, unchanged base first): chr12-114398696-G-GGGCT. GRCh37 (hg19) VCF-style: chr12-114836501-G-GGGCT.
Other names: c.383_386dup, p.Met131fs (NM_000192.3); c.233_236dup, p.Met81fs (NM_080717.4); short protein forms M131fs, M81fs.
Identifiers: ClinVar variation 1071824 (VCV001071824.7), dbSNP rs2136416963, ClinGen allele CA2499221455.
Genomic context (GRCh38, chr12:114,398,696, plus strand): 5'-CATCCAATGCGCCCCGGTGGCGGGGGAGTCTGGGTGCACGTACAGGCGGCCAGGCATGGC[G>GGGCT]GGCTCAGCTTTGCCCGTCACAGACCTAGATGAAGGAGAGGTGTACTAGAGGCCTGGCTCA-3'

ClinVar aggregate classification (germline): Pathogenic (1 of 4 stars; one submission).

Conditions:
Aortic valve disease 2 (AOVD2). Identifiers: MedGen C3542024, MONDO:0013902, OMIM 614823.

Submission:

Labcorp Genetics (formerly Invitae), Labcorp
Classification: Pathogenic for Aortic valve disease 2. Last evaluated: 2020-07-13. Review status: criteria provided, single submitter. Criteria: Invitae Variant Classification Sherloc (09022015). Collection method: clinical testing. Allele origin: germline.
Comment: For these reasons, this variant has been classified as Pathogenic. Loss-of-function variants in TBX5 are known to be pathogenic (PMID: 16183809, 16917909). This variant has not been reported in the literature in individuals with TBX5-related conditions. This variant is not present in population databases (ExAC no frequency). This sequence change creates a premature translational stop signal (p.Met131Argfs*53) in the TBX5 gene. It is expected to result in an absent or disrupted protein product.

Literature cited by the submitters: PubMed 16183809; PubMed 16917909.